The following is an entry in ClinVar:

NM_004415.4(DSP):c.998G>A (p.Ser333Asn)

Gene: DSP (desmoplakin; plus strand). Cytogenetic location: 6p24.3.
Variant type: single nucleotide variant.
Coding change: c.998G>A on transcript NM_004415.4 (MANE Select); coding-DNA position 998, G replaced by A.
Protein change: p.Ser333Asn; replaces serine 333 with asparagine.
Molecular consequence: missense variant.
Genome position (GRCh38, 1-based): chr6:7,566,435, G>A. VCF-style: chr6-7566435-G-A. GRCh37 (hg19) VCF-style: chr6-7566668-G-A.
Other names: c.998G>A, p.Ser333Asn (NM_001008844.3, NM_001319034.2); c.998G>A (NM_004415.2); short protein forms S333N.
Identifiers: ClinVar variation 1383508 (VCV001383508.8), dbSNP rs749695729, ClinGen allele CA053451.

ClinVar aggregate classification (germline): Conflicting classifications of pathogenicity. Review status: criteria provided, conflicting classifications (1 of 4 stars). 3 submissions from 3 submitters: Uncertain significance (2); Likely benign (1). Last evaluated 2024-05-13.

Conditions:
Cardiovascular phenotype. Identifiers: MedGen CN230736.
Arrhythmogenic cardiomyopathy with wooly hair and keratoderma. Also called: Dilated cardiomyopathy with woolly hair and keratoderma; Arrhythmogenic cardiomyopathy with woolly hair and keratoderma; PALMOPLANTAR KERATODERMA WITH LEFT VENTRICULAR CARDIOMYOPATHY AND WOOLLY HAIR; Carvajal syndrome. Identifiers: Orphanet 65282, MedGen C1854063, MONDO:0011581, OMIM 605676.
Arrhythmogenic right ventricular dysplasia 8 (ARVD8). Also called: ARRHYTHMOGENIC RIGHT VENTRICULAR DYSPLASIA, FAMILIAL, 8; Arrhythmogenic Right Ventricular Dysplasia/Cardiomyopathy 8; ARRHYTHMOGENIC RIGHT VENTRICULAR CARDIOMYOPATHY 8. Identifiers: MedGen C1843896, MONDO:0011831, OMIM 607450.
Cardiomyopathy (CMYO). Also called: Cardiomyopathies. Identifiers: Orphanet 167848, MedGen C0878544, MONDO:0004994, HP:0001638. Inheritance: Various modes of inheritance.

Allele frequency attached by ClinVar (database versions not stated): ExAC 0.00001; gnomAD exomes 0.00001.
gnomAD v4.1: 3 of 1,613,934 alleles (0.00019%); highest among the groups gnomAD compares: Admixed American, 0.005%; no homozygotes.

Submissions (3):

Ambry Genetics
Classification: Uncertain significance for Cardiovascular phenotype. Last evaluated: 2024-05-13. Review status: criteria provided, single submitter. Criteria: Ambry Variant Classification Scheme 2023. Collection method: clinical testing. Allele origin: germline.

Color Diagnostics, LLC DBA Color Health
Classification: Uncertain significance for Cardiomyopathy. Last evaluated: 2023-11-29. Review status: criteria provided, single submitter. Criteria: ACMG Guidelines, 2015. Collection method: clinical testing. Allele origin: germline.
Comment: This missense variant replaces serine with asparagine at codon 333 of the DSP protein. Computational prediction suggests that this variant may not impact protein structure and function (internally defined REVEL score threshold <= 0.5, PMID: 27666373). To our knowledge, functional studies have not been reported for this variant. This variant has not been reported in individuals affected with DSP-related disorders in the literature. This variant has been identified in 3/251088 chromosomes in the general population by the Genome Aggregation Database (gnomAD). The available evidence is insufficient to determine the role of this variant in disease conclusively. Therefore, this variant is classified as a Variant of Uncertain Significance.

Labcorp Genetics (formerly Invitae), Labcorp
Classification: Likely benign for Arrhythmogenic cardiomyopathy with wooly hair and keratoderma; Arrhythmogenic right ventricular dysplasia 8. Last evaluated: 2023-05-22. Review status: criteria provided, single submitter. Criteria: Invitae Variant Classification Sherloc (09022015). Collection method: clinical testing. Allele origin: germline.